The following is an entry in ClinVar:

ClinVar aggregate classification (germline): Likely benign. Review status: criteria provided, multiple submitters, no conflicts (2 of 4 stars). 2 submissions from 2 submitters: Likely benign (2). Last evaluated 2018-01-13.

Conditions:
Histidinemia. Also called: Hyperhistidinemia; Deficiency of histidine ammonia-lyase; HAL DEFICIENCY; HIS DEFICIENCY; HISTIDASE DEFICIENCY; HISTIDINE AMMONIA-LYASE DEFICIENCY. Identifiers: Orphanet 2157, MedGen C0220992, MONDO:0009345, OMIM 235800, HP:0010906.

Allele frequency attached by ClinVar (database versions not stated): 1000 Genomes Project 0.01657; 1000 Genomes Project 30x 0.01671; TOPMed 0.02393; gnomAD exomes 0.02785; gnomAD 0.02879 and 0.02919.

Submissions (2):

Illumina Laboratory Services, Illumina
Classification: Likely benign for Histidinemia. Last evaluated: 2018-01-13. Review status: criteria provided, single submitter. Criteria: ICSL Variant Classification Criteria 13 December 2019. Collection method: clinical testing. Allele origin: germline.
Comment: This variant was observed in the ICSL laboratory as part of a predisposition screen in an ostensibly healthy population. It had not been previously curated by ICSL or reported in the Human Gene Mutation Database (HGMD: prior to June 1st, 2018), and was therefore a candidate for classification through an automated scoring system. Utilizing variant allele frequency, disease prevalence and penetrance estimates, and inheritance mode, an automated score was calculated to assess if this variant is too frequent to cause the disease. Based on the score and internal cut-off values, a variant classified as likely benign is not then subjected to further curation. The score for this variant resulted in a classification of likely benign for this disease.

Breakthrough Genomics
Classification: Likely benign. Review status: criteria provided, single submitter. Criteria: ACMG Guidelines, 2015. Collection method: not provided. Allele origin: germline. Inheritance: Autosomal recessive inheritance. Affected: yes.

NM_002108.4(HAL):c.*617G>A

Gene: HAL (histidine ammonia-lyase; minus strand). Cytogenetic location: 12q23.1.
Variant type: single nucleotide variant.
Coding change: c.*617G>A on transcript NM_002108.4 (MANE Select); 617 bases downstream of the stop codon, G replaced by A.
Molecular consequence: 3 prime UTR variant.
Genome position (GRCh38, 1-based): chr12:95,973,615, C>T on the plus strand (G>A on the coding strand, the complement: HAL is on the minus strand). VCF-style: chr12-95973615-C-T. GRCh37 (hg19) VCF-style: chr12-96367393-C-T.
Other names: c.*617G>A (NM_001258333.2); c.*745G>A (NM_001258334.2).
Identifiers: ClinVar variation 310689 (VCV000310689.6), dbSNP rs113875416, ClinGen allele CA10633721.